The following is an entry in ClinVar:

ClinVar aggregate classification (germline): Pathogenic/Likely pathogenic. Review status: criteria provided, multiple submitters, no conflicts (2 of 4 stars). 2 submissions from 2 submitters: Pathogenic (1); Likely pathogenic (1). Last evaluated 2026-02-07.

Submissions (2):

GeneDx
Classification: Pathogenic. Last evaluated: 2026-02-07. Review status: criteria provided, single submitter. Criteria: GeneDx Variant Classification Process June 2021. Collection method: clinical testing. Allele origin: germline. Affected: yes.
Comment: Not observed at significant frequency in large population cohorts (gnomAD); Nonsense variant predicted to result in protein truncation or nonsense mediated decay in a gene for which loss of function is a known mechanism of disease; Also known as p.(S909*) and p.(S908*) using alternate nomenclature; This variant is associated with the following publications: (PMID: Gosadi2021, 35112413, 33981653, 37937857, 30488743, 31889847)

Genomic Medicine Center of Excellence, King Faisal Specialist Hospital and Research Centre
Classification: Likely pathogenic. Review status: criteria provided, single submitter. Criteria: ACMG Guidelines, 2015. Collection method: research. Allele origin: germline. Affected: yes.

NM_001378454.1(ALMS1):c.2726C>G (p.Ser909Ter)

Gene: ALMS1 (ALMS1 centrosome and basal body associated protein; plus strand). Cytogenetic location: 2p13.1.
Variant type: single nucleotide variant.
Coding change: c.2726C>G on transcript NM_001378454.1 (MANE Select); coding-DNA position 2726, C replaced by G.
Protein change: p.Ser909Ter; replaces serine 909 with a stop codon.
Molecular consequence: nonsense.
Genome position (GRCh38, 1-based): chr2:73,449,253, C>G. VCF-style: chr2-73449253-C-G. GRCh37 (hg19) VCF-style: chr2-73676380-C-G.
Other names: c.2729C>G, p.Ser910Ter (NM_015120.4); short protein forms S910*, S909*.
Identifiers: ClinVar variation 191113 (VCV000191113.4), dbSNP rs746640196, ClinGen allele CA236048.